The following is an entry in ClinVar:

NM_001378778.1(MPDZ):c.414del (p.Phe138fs)

Gene: MPDZ (multiple PDZ domain crumbs cell polarity complex component; minus strand). Cytogenetic location: 9p23.
Variant type: Deletion.
Coding change: c.414del on transcript NM_001378778.1 (MANE Select); coding-DNA position 414, one base deleted (T; older notation c.414delT).
Protein change: p.Phe138fs; shifts the reading frame from phenylalanine 138.
Molecular consequence: frameshift variant.
Genome position (GRCh38, 1-based): chr9:13,223,690, A deleted on the plus strand (T on the coding strand, the reverse complement: MPDZ is on the minus strand); the first of 5 consecutive A bases (chr9:13,223,690-13,223,694); deleting any one gives the same sequence. VCF-style (leftmost placement, unchanged base first): chr9-13223689-CA-C. GRCh37 (hg19) VCF-style: chr9-13223688-CA-C.
Other names: c.414del, p.Phe138fs (NM_001261406.2, NM_001261407.2, NM_001330637.2 and 14 more transcripts); short protein forms F138fs.
Identifiers: ClinVar variation 1323286 (VCV001323286.6), dbSNP rs1267168609, ClinGen allele CA860578531.

ClinVar aggregate classification (germline): Pathogenic. Review status: criteria provided, multiple submitters, no conflicts (2 of 4 stars). 2 submissions from 2 submitters: Pathogenic (2). Last evaluated 2024-08-28.

Conditions:
Hydrocephalus, nonsyndromic, autosomal recessive 2. Also called: Hydrocephalus, congenital, 2, with or without brain or eye anomalies. Identifiers: Orphanet 2185, MedGen C3554691, MONDO:0014085, OMIM 615219.

Submissions (2):

Labcorp Genetics (formerly Invitae), Labcorp
Classification: Pathogenic. Last evaluated: 2024-08-28. Review status: criteria provided, single submitter. Criteria: Invitae Variant Classification Sherloc (09022015). Collection method: clinical testing. Allele origin: germline.
Comment: This sequence change creates a premature translational stop signal (p.Phe138Leufs*18) in the MPDZ gene. It is expected to result in an absent or disrupted protein product. Loss-of-function variants in MPDZ are known to be pathogenic (PMID: 23240096, 28556411). This variant is not present in population databases (gnomAD no frequency). This variant has not been reported in the literature in individuals affected with MPDZ-related conditions. ClinVar contains an entry for this variant (Variation ID: 1323286). For these reasons, this variant has been classified as Pathogenic.

Revvity Omics, Revvity
Classification: Pathogenic for Hydrocephalus, nonsyndromic, autosomal recessive 2. Last evaluated: 2020-06-19. Review status: criteria provided, single submitter. Criteria: ACMG Guidelines, 2015. Collection method: clinical testing. Allele origin: germline.

Literature cited by the submitters: PubMed 23240096 (cited by Labcorp Genetics (formerly Invitae), Labcorp); PubMed 28556411 (cited by Labcorp Genetics (formerly Invitae), Labcorp).